The following is an entry in ClinVar:

NM_032043.3(BRIP1):c.1936-2A>G

Gene: BRIP1 (BRCA1 interacting DNA helicase 1; minus strand). Cytogenetic location: 17q23.2.
Variant type: single nucleotide variant.
Coding change: c.1936-2A>G on transcript NM_032043.3 (MANE Select); the canonical splice acceptor site of the intron before coding-DNA position 1936, A replaced by G.
Molecular consequence: splice acceptor variant.
Genome position (GRCh38, 1-based): chr17:61,776,564, T>C on the plus strand (A>G on the coding strand, the complement: BRIP1 is on the minus strand). VCF-style: chr17-61776564-T-C. GRCh37 (hg19) VCF-style: chr17-59853925-T-C.
Identifiers: ClinVar variation 241634 (VCV000241634.16), dbSNP rs878855143, ClinGen allele CA10583628.

ClinVar aggregate classification (germline): Pathogenic/Likely pathogenic. Review status: criteria provided, multiple submitters, no conflicts (2 of 4 stars). 3 submissions from 3 submitters: Pathogenic (1); Likely pathogenic (2). Last evaluated 2026-09-04.

Conditions:
Hereditary cancer-predisposing syndrome. Also called: Tumor predisposition; Neoplastic Syndromes, Hereditary; Hereditary Cancer Syndrome; Hereditary neoplastic syndrome. Identifiers: Orphanet 140162, MedGen C0027672, MeSH D009386, MONDO:0015356.
Familial cancer of breast. Also called: hereditary breast carcinoma; BREAST CANCER, FAMILIAL; Hereditary breast cancer. Identifiers: Orphanet 227535, MedGen C0346153, MONDO:0016419, OMIM 114480. Disease mechanism: loss of function.
Fanconi anemia complementation group J. Also called: BRIP1-Related Fanconi Anemia. Identifiers: Orphanet 84, MedGen C1836860, MONDO:0012187, OMIM 609054.

Submissions (3):

Ambry Genetics
Classification: Likely pathogenic for Hereditary cancer-predisposing syndrome. Last evaluated: 2026-09-04. Review status: criteria provided, single submitter. Criteria: Ambry Variant Classification Scheme 2023. Collection method: clinical testing. Allele origin: germline.
Comment: The c.1936-2A>G intronic variant results from an A to G substitution two nucleotides upstream from coding exon 13 in the BRIP1 gene. Alterations that disrupt the canonical splice site are expected to result in aberrant splicing. In silico splice site analysis predicts that this alteration will weaken the native splice acceptor site and may result in the creation or strengthening of a novel splice acceptor site; however, direct evidence is insufficient at this time (Ambry internal data). The resulting transcript is predicted to be in-frame and is not expected to trigger nonsense-mediated mRNA decay; however, direct evidence is unavailable. While the exact functional effect of the missing amino acids is unknown, the impacted region is critical for protein function (Ambry internal data). This nucleotide position is highly conserved in available vertebrate species. This variant is considered to be rare based on population cohorts in the Genome Aggregation Database (gnomAD). Based on the majority of available evidence to date, this variant is likely to be pathogenic.

Labcorp Genetics (formerly Invitae), Labcorp
Classification: Likely pathogenic for Familial cancer of breast; Fanconi anemia complementation group J. Last evaluated: 2025-10-01. Review status: criteria provided, single submitter. Criteria: Invitae Variant Classification Sherloc (09022015). Collection method: clinical testing. Allele origin: germline.
Comment: This sequence change affects an acceptor splice site in intron 13 of the BRIP1 gene. It is expected to disrupt RNA splicing. Variants that disrupt the donor or acceptor splice site typically lead to a loss of protein function (PMID: 16199547), and loss-of-function variants in BRIP1 are known to be pathogenic (PMID: 16116423, 17033622, 21964575). This variant is not present in population databases (gnomAD no frequency). Disruption of this splice site has been observed in individual(s) with breast cancer (PMID: 32427313, 35264596). ClinVar contains an entry for this variant (Variation ID: 241634). Studies have shown that disruption of this splice site is associated with inconclusive levels of altered splicing (internal data). In summary, the currently available evidence indicates that the variant is pathogenic, but additional data are needed to prove that conclusively. Therefore, this variant has been classified as Likely Pathogenic.

Revvity Omics, Revvity
Classification: Pathogenic for Fanconi anemia complementation group J. Last evaluated: 2022-01-21. Review status: criteria provided, single submitter. Criteria: ACMG Guidelines, 2015. Collection method: clinical testing. Allele origin: germline.

Literature cited by the submitters: PubMed 16199547 (cited by Labcorp Genetics (formerly Invitae), Labcorp); PubMed 16116423 (cited by Labcorp Genetics (formerly Invitae), Labcorp); PubMed 17033622 (cited by Labcorp Genetics (formerly Invitae), Labcorp); PubMed 21964575 (cited by Labcorp Genetics (formerly Invitae), Labcorp); PubMed 32427313 (cited by Labcorp Genetics (formerly Invitae), Labcorp); PubMed 35264596 (cited by Labcorp Genetics (formerly Invitae), Labcorp).